The following is an entry in ClinVar:

NM_007357.3(COG2):c.1532C>G (p.Thr511Ser)

Gene: COG2 (component of oligomeric golgi complex 2; plus strand). Cytogenetic location: 1q42.2.
Variant type: single nucleotide variant.
Coding change: c.1532C>G on transcript NM_007357.3 (MANE Select); coding-DNA position 1532, C replaced by G.
Protein change: p.Thr511Ser; replaces threonine 511 with serine.
Molecular consequence: missense variant.
Genome position (GRCh38, 1-based): chr1:230,687,086, C>G. VCF-style: chr1-230687086-C-G. GRCh37 (hg19) VCF-style: chr1-230822832-C-G.
Other names: c.1532C>G, p.Thr511Ser (NM_001145036.2); short protein forms T511S.
Identifiers: ClinVar variation 779620 (VCV000779620.29), dbSNP rs143526339, ClinGen allele CA1447792.

ClinVar aggregate classification (germline): Likely benign. Review status: criteria provided, multiple submitters, no conflicts (2 of 4 stars). 5 submissions from 5 submitters: Likely benign (4). 1 of the submissions does not count toward it. Last evaluated 2026-01-02.

Conditions:
Congenital disorder of glycosylation, type IIq. Also called: CDG IIq. Identifiers: Orphanet 435934, MedGen C4479353, MONDO:0054559, OMIM 617395.
COG2-related disorder. Also called: COG2-related condition.

Allele frequency attached by ClinVar (database versions not stated): 1000 Genomes Project 0.00160; 1000 Genomes Project 30x 0.00187; gnomAD 0.00255 and 0.00257; gnomAD exomes 0.00276 and 0.00367; ESP Exome Variant Server 0.00292; ExAC 0.00306; TOPMed 0.00320.
gnomAD v4.1: 5,812 of 1,613,548 alleles (0.36%); highest among the groups gnomAD compares: Non-Finnish European, 0.42%; 8 homozygotes.

Submissions (9):

Labcorp Genetics (formerly Invitae), Labcorp
Classification: Likely benign for Congenital disorder of glycosylation, type IIq. Last evaluated: 2026-01-02. Review status: criteria provided, single submitter. Criteria: Invitae Variant Classification Sherloc (09022015). Collection method: clinical testing. Allele origin: germline.

Blueprint Genetics
Classification: Likely benign. Last evaluated: 2024-11-21. Review status: criteria provided, single submitter. Criteria: ACMG Guidelines, 2015. Collection method: clinical testing. Allele origin: germline.

CeGaT Center for Human Genetics Tuebingen
Classification: Likely benign. Last evaluated: 2024-08-01. Review status: criteria provided, single submitter. Criteria: CeGaT Center For Human Genetics Tuebingen Variant Classification Criteria Version 2. Collection method: clinical testing. Allele origin: germline. Affected: yes. Observed: 1 variant allele.
Comment: COG2: BP4

Breakthrough Genomics
Classification: Likely benign. Review status: criteria provided, single submitter. Criteria: ACMG Guidelines, 2015. Collection method: not provided. Allele origin: germline. Inheritance: Autosomal recessive inheritance. Affected: yes.

PreventionGenetics, part of Exact Sciences
Classification: Likely benign for COG2-related condition. Last evaluated: 2023-12-28. Review status: no assertion criteria provided. Collection method: clinical testing. Allele origin: germline. Not counted in ClinVar's aggregate classification.
Comment: This variant is classified as likely benign based on ACMG/AMP sequence variant interpretation guidelines (Richards et al. 2015 PMID: 25741868, with internal and published modifications).

Dr. Peter K. Rogan Lab, Western University
No classification provided (evidence only). Condition: Thyroid cancer, nonmedullary, 1. Review status: no classification provided. Collection method: in vitro. Allele origin: not applicable. Functional consequence: retained intron. Not counted in ClinVar's aggregate classification.

Dr. Peter K. Rogan Lab, Western University
No classification provided (evidence only). Condition: Ovarian serous cystadenocarcinoma. Review status: no classification provided. Collection method: in vitro. Allele origin: not applicable. Functional consequence: retained intron. Not counted in ClinVar's aggregate classification.

Dr. Peter K. Rogan Lab, Western University
No classification provided (evidence only). Condition: Uterine carcinosarcoma. Review status: no classification provided. Collection method: in vitro. Allele origin: not applicable. Functional consequence: retained intron. Not counted in ClinVar's aggregate classification.

Dr. Peter K. Rogan Lab, Western University
No classification provided (evidence only). Condition: Nonpapillary renal cell carcinoma. Review status: no classification provided. Collection method: in vitro. Allele origin: not applicable. Functional consequence: retained intron. Not counted in ClinVar's aggregate classification.